The following is an entry in ClinVar:

NM_080732.4(EGLN2):c.397A>G (p.Lys133Glu)

Genes: EGLN2 (egl-9 family hypoxia inducible factor 2; plus strand), RAB4B-EGLN2 (RAB4B-EGLN2 readthrough (NMD candidate); plus strand). Cytogenetic location: 19q13.2.
Variant type: single nucleotide variant.
Coding change: c.397A>G on transcript NM_080732.4 (MANE Select); coding-DNA position 397, A replaced by G.
Protein change: p.Lys133Glu; replaces lysine 133 with glutamic acid.
Molecular consequence: missense variant. On other transcripts: non-coding transcript variant (1).
Genome position (GRCh38, 1-based): chr19:40,800,969, A>G. VCF-style: chr19-40800969-A-G. GRCh37 (hg19) VCF-style: chr19-41306874-A-G.
Other names: c.397A>G, p.Lys133Glu (NM_053046.4); short protein forms K133E.
Identifiers: ClinVar variation 2561827 (VCV002561827.2), dbSNP rs777913324, ClinGen allele CA9452206.

ClinVar aggregate classification (germline): Uncertain significance (1 of 4 stars; one submission).

Allele frequency attached by ClinVar (database versions not stated): gnomAD exomes below 0.00001; gnomAD 0.00001; ExAC 0.00002; TOPMed 0.00003.

Submission:

Ambry Genetics
Classification: Uncertain significance. Last evaluated: 2023-05-31. Review status: criteria provided, single submitter. Criteria: Ambry Variant Classification Scheme 2023. Collection method: clinical testing. Allele origin: germline.
Comment: The p.K133E variant (also known as c.397A>G), located in coding exon 1 of the EGLN2 gene, results from an A to G substitution at nucleotide position 397. The lysine at codon 133 is replaced by glutamic acid, an amino acid with similar properties. This amino acid position is conserved. In addition, this alteration is predicted to be tolerated by in silico analysis. Since supporting evidence is limited at this time, the clinical significance of this alteration remains unclear.